The following is an entry in ClinVar:

ClinVar aggregate classification (germline): Likely benign. Review status: criteria provided, multiple submitters, no conflicts (2 of 4 stars). 3 submissions from 3 submitters: Likely benign (2). 1 of the submissions does not count toward it. Last evaluated 2024-05-03.

Conditions:
Nephronophthisis. Also called: Juvenile Nephronophthisis. Identifiers: Orphanet 655, MedGen C0687120, MONDO:0019005, HP:0000090.
Joubert syndrome. Also called: JOUBERT-BOLTSHAUSER SYNDROME; Familial aplasia of the vermis. Identifiers: Orphanet 475, MedGen C5979921, MONDO:0018772.
Meckel-Gruber syndrome. Also called: Dysencephalia splachnocystica; GRUBER SYNDROME; DYSENCEPHALIA SPLANCHNOCYSTICA. Identifiers: Orphanet 564, MedGen C0265215, MONDO:0018921.
CEP290-related disorder. Also called: CEP290-related disorders; CEP290-related condition. Identifiers: MedGen CN239314.

Allele frequency attached by ClinVar (database versions not stated): gnomAD 0.00001; gnomAD exomes 0.00001; TOPMed 0.00002; ExAC 0.00003.
gnomAD v4.1: 18 of 1,594,384 alleles (0.0011%); highest among the groups gnomAD compares: Non-Finnish European, 0.0014%; no homozygotes.

Submissions (3):

Labcorp Genetics (formerly Invitae), Labcorp
Classification: Likely benign for Joubert syndrome; Meckel-Gruber syndrome; Nephronophthisis. Last evaluated: 2024-05-03. Review status: criteria provided, single submitter. Criteria: Invitae Variant Classification Sherloc (09022015). Collection method: clinical testing. Allele origin: germline.

Blueprint Genetics
Classification: Likely benign. Last evaluated: 2024-04-24. Review status: criteria provided, single submitter. Criteria: ACMG Guidelines, 2015. Collection method: clinical testing. Allele origin: germline.

PreventionGenetics, part of Exact Sciences
Classification: Likely benign for CEP290-related condition. Last evaluated: 2022-07-28. Review status: no assertion criteria provided. Collection method: clinical testing. Allele origin: germline. Not counted in ClinVar's aggregate classification.
Comment: This variant is classified as likely benign based on ACMG/AMP sequence variant interpretation guidelines (Richards et al. 2015 PMID: 25741868, with internal and published modifications).

NM_025114.4(CEP290):c.3621T>C (p.Asn1207=)

Gene: CEP290 (centrosomal protein 290; minus strand). Cytogenetic location: 12q21.32.
Variant type: single nucleotide variant.
Coding change: c.3621T>C on transcript NM_025114.4 (MANE Select); coding-DNA position 3621, T replaced by C.
Protein change: p.Asn1207=; no amino-acid change (asparagine 1207 retained).
Molecular consequence: synonymous variant.
Genome position (GRCh38, 1-based): chr12:88,089,440, A>G on the plus strand (T>C on the coding strand, the complement: CEP290 is on the minus strand). VCF-style: chr12-88089440-A-G. GRCh37 (hg19) VCF-style: chr12-88483217-A-G.
Other names: c.3621T>C (NM_025114.3).
Identifiers: ClinVar variation 1146821 (VCV001146821.11), dbSNP rs761412978, ClinGen allele CA6712106.